The following is an entry in ClinVar:

ClinVar aggregate classification (germline): Uncertain significance (1 of 4 stars; one submission).

Conditions:
NBEA-related disorder. Also called: NBEA-related condition.

Allele frequency attached by ClinVar (database versions not stated): gnomAD 0.00001; TOPMed 0.00001.
gnomAD v4.1: 1 of 1,609,606 alleles (0.000062%); highest among the groups gnomAD compares: African/African-American, 0.0013%; no homozygotes.

Submission:

PreventionGenetics, part of Exact Sciences
Classification: Uncertain significance for NBEA-related condition. Last evaluated: 2023-07-31. Review status: criteria provided, single submitter. Criteria: ACMG Guidelines, 2015. Collection method: clinical testing. Allele origin: germline.
Comment: The NBEA c.5471A>C variant is predicted to result in the amino acid substitution p.Asn1824Thr. To our knowledge, this variant has not been reported in the literature or in a large population database, indicating this variant is rare. At this time, the clinical significance of this variant is uncertain due to the absence of conclusive functional and genetic evidence.

NM_001385012.1(NBEA):c.5471A>C (p.Asn1824Thr)

Gene: NBEA (neurobeachin; plus strand). Cytogenetic location: 13q13.3.
Variant type: single nucleotide variant.
Coding change: c.5471A>C on transcript NM_001385012.1 (MANE Select); coding-DNA position 5471, A replaced by C.
Protein change: p.Asn1824Thr; replaces asparagine 1824 with threonine.
Molecular consequence: missense variant.
Genome position (GRCh38, 1-based): chr13:35,208,804, A>C. VCF-style: chr13-35208804-A-C. GRCh37 (hg19) VCF-style: chr13-35782941-A-C.
Other names: c.5462A>C, p.Asn1821Thr (NM_001379245.1); c.5471A>C, p.Asn1824Thr (NM_015678.5); short protein forms N1821T, N1824T.
Identifiers: ClinVar variation 2631664 (VCV002631664.1), dbSNP rs977921474, ClinGen allele CA248095545.